The following is an entry in ClinVar:

NM_001105206.3(LAMA4):c.3904T>C (p.Ser1302Pro)

Gene: LAMA4 (laminin subunit alpha 4; minus strand). Cytogenetic location: 6q21.
Variant type: single nucleotide variant.
Coding change: c.3904T>C on transcript NM_001105206.3 (MANE Select); coding-DNA position 3904, T replaced by C.
Protein change: p.Ser1302Pro; replaces serine 1302 with proline.
Molecular consequence: missense variant.
Genome position (GRCh38, 1-based): chr6:112,131,032, A>G on the plus strand (T>C on the coding strand, the complement: LAMA4 is on the minus strand). VCF-style: chr6-112131032-A-G. GRCh37 (hg19) VCF-style: chr6-112452234-A-G.
Other names: c.3883T>C, p.Ser1295Pro (NM_001105207.3, NM_002290.5); short protein forms S1295P, S1302P.
Identifiers: ClinVar variation 3866214 (VCV003866214.1).
Genomic context (GRCh38, chr6:112,131,032, plus strand): 5'-TGGGTGAGACAGAGCTAATGACGAAGTGGGACAGCCCATCATTGTACTGCTTATCTACTG[A>G]CTGAACTTTGATTCCCTTTACATCCATGATGACAGTACCATTATCCAGTGAGATGGAGAA-3'
Protein context (NP_001098676.2, residues 1292-1312): IMDVKGIKVQ[Ser1302Pro]VDKQYNDGLS

ClinVar aggregate classification (germline): Uncertain significance (1 of 4 stars; one submission).

Conditions:
Cardiovascular phenotype. Identifiers: MedGen CN230736.

gnomAD v4.1: 3 of 1,613,018 alleles (0.00019%); highest among the groups gnomAD compares: South Asian, 0.0011%; no homozygotes.

Submission:

Ambry Genetics
Classification: Uncertain significance for Cardiovascular phenotype. Last evaluated: 2025-02-01. Review status: criteria provided, single submitter. Criteria: Ambry Variant Classification Scheme 2023. Collection method: clinical testing. Allele origin: germline.
Comment: The p.S1295P variant (also known as c.3883T>C), located in coding exon 28 of the LAMA4 gene, results from a T to C substitution at nucleotide position 3883. The serine at codon 1295 is replaced by proline, an amino acid with similar properties. This amino acid position is conserved. In addition, this alteration is predicted to be tolerated by in silico analysis. Based on the available evidence, the clinical significance of this variant remains unclear.